The following is an entry in ClinVar:

ClinVar aggregate classification (germline): Uncertain significance (1 of 4 stars; one submission).

Conditions:
NCOA1-related disorder. Also called: NCOA1-related condition.

Submission:

PreventionGenetics, part of Exact Sciences
Classification: Uncertain significance for NCOA1-related condition. Last evaluated: 2025-02-25. Review status: criteria provided, single submitter. Criteria: ACMG Guidelines, 2015. Collection method: clinical testing. Allele origin: germline.
Comment: The NCOA1 c.2231A>G variant is predicted to result in the amino acid substitution p.Lys744Arg. To our knowledge, this variant has not been reported in the literature or in a large population database (gnomAD), indicating this variant is rare. At this time, the clinical significance of this variant is uncertain due to the absence of conclusive functional and genetic evidence.

NM_003743.5(NCOA1):c.2231A>G (p.Lys744Arg)

Gene: NCOA1 (nuclear receptor coactivator 1; plus strand). Cytogenetic location: 2p23.3.
Variant type: single nucleotide variant.
Coding change: c.2231A>G on transcript NM_003743.5 (MANE Select); coding-DNA position 2231, A replaced by G.
Protein change: p.Lys744Arg; replaces lysine 744 with arginine.
Molecular consequence: missense variant.
Genome position (GRCh38, 1-based): chr2:24,707,701, A>G. VCF-style: chr2-24707701-A-G. GRCh37 (hg19) VCF-style: chr2-24930570-A-G.
Other names: c.2231A>G, p.Lys744Arg (NM_001362950.1, NM_001362952.1, NM_001362954.1 and 3 more transcripts); short protein forms K744R.
Identifiers: ClinVar variation 4986185 (VCV004986185.1).
Genomic context (GRCh38, chr2:24,707,701, plus strand): 5'-AGGTACAAGGAAACTCCAGTATAAAACTAGAACTGGATGCTTCAAAGAAAAAAGAATCAA[A>G]AGACCATCAGCTCCTACGCTATCTTTTAGATAAAGATGAGAAAGATTTAAGATCAACTCC-3'
Protein context (NP_003734.3, residues 734-754): ELDASKKKES[Lys744Arg]DHQLLRYLLD